The following is an entry in ClinVar:

ClinVar aggregate classification (germline): Uncertain significance (1 of 4 stars; one submission).

Allele frequency attached by ClinVar (database versions not stated): ExAC 0.00001; gnomAD exomes 0.00001 and below 0.00001; TOPMed 0.00002.
gnomAD v4.1: 7 of 1,613,956 alleles (0.00043%); highest among the groups gnomAD compares: Non-Finnish European, 0.00059%; no homozygotes.

Submission:

Labcorp Genetics (formerly Invitae), Labcorp
Classification: Uncertain significance. Last evaluated: 2024-09-16. Review status: criteria provided, single submitter. Criteria: Invitae Variant Classification Sherloc (09022015). Collection method: clinical testing. Allele origin: germline.
Comment: This sequence change replaces asparagine, which is neutral and polar, with serine, which is neutral and polar, at codon 369 of the COQ8A protein (p.Asn369Ser). This variant is present in population databases (rs751032737, gnomAD 0.0009%). This variant has not been reported in the literature in individuals affected with COQ8A-related conditions. ClinVar contains an entry for this variant (Variation ID: 1411476). An algorithm developed to predict the effect of missense changes on protein structure and function outputs the following: PolyPhen-2: "Benign". The serine amino acid residue is found in multiple mammalian species, which suggests that this missense change does not adversely affect protein function. In summary, the available evidence is currently insufficient to determine the role of this variant in disease. Therefore, it has been classified as a Variant of Uncertain Significance.

NM_020247.5(COQ8A):c.1106A>G (p.Asn369Ser)

Gene: COQ8A (coenzyme Q8A; plus strand). Cytogenetic location: 1q42.13.
Variant type: single nucleotide variant.
Coding change: c.1106A>G on transcript NM_020247.5 (MANE Select); coding-DNA position 1106, A replaced by G.
Protein change: p.Asn369Ser; replaces asparagine 369 with serine.
Molecular consequence: missense variant.
Genome position (GRCh38, 1-based): chr1:226,983,577, A>G. VCF-style: chr1-226983577-A-G. GRCh37 (hg19) VCF-style: chr1-227171278-A-G.
Other names: short protein forms N369S.
Identifiers: ClinVar variation 1411476 (VCV001411476.6), dbSNP rs751032737, ClinGen allele CA1425313.